The following is an entry in ClinVar:

NM_003482.4(KMT2D):c.9725C>T (p.Ala3242Val)

Gene: KMT2D (lysine methyltransferase 2D; minus strand). Cytogenetic location: 12q13.12.
Variant type: single nucleotide variant.
Coding change: c.9725C>T on transcript NM_003482.4 (MANE Select); coding-DNA position 9725, C replaced by T.
Protein change: p.Ala3242Val; replaces alanine 3242 with valine.
Molecular consequence: missense variant.
Genome position (GRCh38, 1-based): chr12:49,037,631, G>A on the plus strand (C>T on the coding strand, the complement: KMT2D is on the minus strand). VCF-style: chr12-49037631-G-A. GRCh37 (hg19) VCF-style: chr12-49431414-G-A.
Other names: short protein forms A3242V.
Identifiers: ClinVar variation 2751436 (VCV002751436.3), dbSNP rs2120483171, ClinGen allele CA384736547.

ClinVar aggregate classification (germline): Uncertain significance (1 of 4 stars; one submission).

Conditions:
Kabuki syndrome. Also called: NIIKAWA-KUROKI SYNDROME; Kabuki make-up syndrome. Identifiers: Orphanet 2322, MedGen C0796004, MONDO:0016512.

Submission:

Labcorp Genetics (formerly Invitae), Labcorp
Classification: Uncertain significance for Kabuki syndrome. Last evaluated: 2023-12-06. Review status: criteria provided, single submitter. Criteria: Invitae Variant Classification Sherloc (09022015). Collection method: clinical testing. Allele origin: germline.
Comment: This sequence change replaces alanine, which is neutral and non-polar, with valine, which is neutral and non-polar, at codon 3242 of the KMT2D protein (p.Ala3242Val). This variant is not present in population databases (gnomAD no frequency). This variant has not been reported in the literature in individuals affected with KMT2D-related conditions. Advanced modeling of protein sequence and biophysical properties (such as structural, functional, and spatial information, amino acid conservation, physicochemical variation, residue mobility, and thermodynamic stability) performed at Invitae indicates that this missense variant is not expected to disrupt KMT2D protein function with a negative predictive value of 95%. In summary, the available evidence is currently insufficient to determine the role of this variant in disease. Therefore, it has been classified as a Variant of Uncertain Significance.